The following is an entry in ClinVar:

NM_001127898.4(CLCN5):c.1676G>A (p.Trp559Ter)

Gene: CLCN5 (Cl-/H+ antiporter 5; plus strand). Cytogenetic location: Xp11.23.
Variant type: single nucleotide variant.
Coding change: c.1676G>A on transcript NM_001127898.4 (MANE Select); coding-DNA position 1676, G replaced by A.
Protein change: p.Trp559Ter; replaces tryptophan 559 with a stop codon.
Molecular consequence: nonsense.
Genome position (GRCh38, 1-based): chrX:50,088,816, G>A. VCF-style: chrX-50088816-G-A. GRCh37 (hg19) VCF-style: chrX-49853473-G-A.
Other names: c.1466G>A, p.Trp489Ter (NM_000084.5); c.1676G>A, p.Trp559Ter (NM_001127899.4); c.1526G>A, p.Trp509Ter (NM_001282163.2); short protein forms W559*, W509*, W489*.
Identifiers: ClinVar variation 438798 (VCV000438798.3), dbSNP rs1557194353, ClinGen allele CA413188279.
Genomic context (GRCh38, chrX:50,088,816, plus strand): 5'-TAGGAGTAGGAATGGAACAGCTGGCTTATTACCACCAGGAATGGACCGTCTTCAATAGCT[G>A]GTGTAGTCAGGGAGCTGATTGCATCACCCCCGGCCTTTATGCAATGGTTGGGGCTGCAGC-3'

ClinVar aggregate classification (germline): Likely pathogenic. Review status: criteria provided, single submitter (1 of 4 stars). 2 submissions from 2 submitters: Likely pathogenic (1). 1 of the submissions does not count toward it. Last evaluated 2022-01-27.

Conditions:
Dent disease type 1 (DENT1). Also called: NEPHROLITHIASIS 2; NEPHROLITHIASIS, HYPERCALCIURIC, X-LINKED. Identifiers: Orphanet 1652, Orphanet 93622, MedGen C1848336, MONDO:0010225, OMIM 300009.
Proteinuria, low molecular weight, with hypercalciuria and nephrocalcinosis. Identifiers: Orphanet 1652, Orphanet 93622, MedGen C1839874, MONDO:0010644, OMIM 308990.
X-linked recessive nephrolithiasis with renal failure (XRN). Also called: NEPHROLITHIASIS 1; NEPHROLITHIASIS, X-LINKED RECESSIVE, TYPE 1; UROLITHIASIS, X-LINKED RECESSIVE, TYPE 1. Identifiers: Orphanet 1652, Orphanet 93622, MedGen C0403720, MONDO:0010687, OMIM 310468.
Hypophosphatemic rickets, X-linked recessive (XLHRR). Identifiers: Orphanet 1652, Orphanet 93622, MedGen C1845168, MONDO:0010358, OMIM 300554.

Submissions (2):

Fulgent Genetics
Classification: Likely pathogenic for Dent disease type 1; Hypophosphatemic rickets, X-linked recessive; Proteinuria, low molecular weight, with hypercalciuria and nephrocalcinosis; X-linked recessive nephrolithiasis with renal failure. Last evaluated: 2022-01-27. Review status: criteria provided, single submitter. Criteria: ACMG Guidelines, 2015. Collection method: clinical testing. Allele origin: unknown.

Donald Williams Parsons Laboratory, Baylor College of Medicine
Classification: Pathogenic for Dent disease type 1. Last evaluated: 2013-10-28. Review status: no assertion criteria provided. Collection method: research. Allele origin: maternal. Inheritance: X-linked inheritance. Affected: yes. Observed: 1 variant allele, 1 hemizygote. Study: CSER-BASIC3. Not counted in ClinVar's aggregate classification.
Comment: This nonsense variant is categorized as deleterious according to ACMG guidelines (PMID:18414213).

Literature cited by the submitters: PubMed 26822237 (cited by Donald Williams Parsons Laboratory, Baylor College of Medicine).